The following is an entry in ClinVar:

ClinVar aggregate classification (germline): Uncertain significance (1 of 4 stars; one submission).

Submission:

Labcorp Genetics (formerly Invitae), Labcorp
Classification: Uncertain significance. Last evaluated: 2022-07-11. Review status: criteria provided, single submitter. Criteria: Invitae Variant Classification Sherloc (09022015). Collection method: clinical testing. Allele origin: germline.
Comment: In summary, the available evidence is currently insufficient to determine the role of this variant in disease. Therefore, it has been classified as a Variant of Uncertain Significance. Algorithms developed to predict the effect of missense changes on protein structure and function output the following: SIFT: "Deleterious"; PolyPhen-2: "Benign"; Align-GVGD: "Class C0". The histidine amino acid residue is found in multiple mammalian species, which suggests that this missense change does not adversely affect protein function. ClinVar contains an entry for this variant (Variation ID: 1438527). This variant has not been reported in the literature in individuals affected with ZNF469-related conditions. This variant is not present in population databases (gnomAD no frequency). This sequence change replaces tyrosine, which is neutral and polar, with histidine, which is basic and polar, at codon 853 of the ZNF469 protein (p.Tyr853His).

NM_001367624.2(ZNF469):c.2557T>C (p.Tyr853His)

Gene: ZNF469 (zinc finger protein 469; plus strand). Cytogenetic location: 16q24.2.
Variant type: single nucleotide variant.
Coding change: c.2557T>C on transcript NM_001367624.2 (MANE Select); coding-DNA position 2557, T replaced by C.
Protein change: p.Tyr853His; replaces tyrosine 853 with histidine.
Molecular consequence: missense variant.
Genome position (GRCh38, 1-based): chr16:88,430,027, T>C. VCF-style: chr16-88430027-T-C. GRCh37 (hg19) VCF-style: chr16-88496435-T-C.
Other names: short protein forms Y853H.
Identifiers: ClinVar variation 1438527 (VCV001438527.6), dbSNP rs2142301897, ClinGen allele CA397073187.